The following is an entry in ClinVar:

ClinVar aggregate classification (germline): Uncertain significance (1 of 4 stars; one submission).

gnomAD v4.1: 1 of 1,614,116 alleles (0.000062%); highest among the groups gnomAD compares: Non-Finnish European, 0.000085%; no homozygotes.

Submission:

Ambry Genetics
Classification: Uncertain significance. Last evaluated: 2022-07-15. Review status: criteria provided, single submitter. Criteria: Ambry Variant Classification Scheme 2023. Collection method: clinical testing. Allele origin: germline.
Comment: The p.E805V variant (also known as c.2414A>T), located in coding exon 4 of the ALPK2 gene, results from an A to T substitution at nucleotide position 2414. The glutamic acid at codon 805 is replaced by valine, an amino acid with dissimilar properties. This amino acid position is conserved. In addition, this alteration is predicted to be tolerated by in silico analysis. Since supporting evidence is limited at this time, the clinical significance of this alteration remains unclear.

NM_052947.4(ALPK2):c.2414A>T (p.Glu805Val)

Gene: ALPK2 (alpha kinase 2; minus strand). Cytogenetic location: 18q21.31.
Variant type: single nucleotide variant.
Coding change: c.2414A>T on transcript NM_052947.4 (MANE Select); coding-DNA position 2414, A replaced by T.
Protein change: p.Glu805Val; replaces glutamic acid 805 with valine.
Molecular consequence: missense variant.
Genome position (GRCh38, 1-based): chr18:58,537,773, T>A on the plus strand (A>T on the coding strand, the complement: ALPK2 is on the minus strand). VCF-style: chr18-58537773-T-A. GRCh37 (hg19) VCF-style: chr18-56205005-T-A.
Other names: short protein forms E805V.
Identifiers: ClinVar variation 1790923 (VCV001790923.2), dbSNP rs2518877706, ClinGen allele CA402570739.